The following is an entry in ClinVar:

ClinVar aggregate classification (germline): Pathogenic (1 of 4 stars; one submission).

Allele frequency attached by ClinVar (database versions not stated): gnomAD exomes 0.00001.

Submission:

Labcorp Genetics (formerly Invitae), Labcorp
Classification: Pathogenic. Last evaluated: 2023-10-25. Review status: criteria provided, single submitter. Criteria: Invitae Variant Classification Sherloc (09022015). Collection method: clinical testing. Allele origin: germline.
Comment: This sequence change creates a premature translational stop signal (p.Lys1730*) in the OTOF gene. It is expected to result in an absent or disrupted protein product. Loss-of-function variants in OTOF are known to be pathogenic (PMID: 18381613, 19250381, 22575033). This variant is not present in population databases (gnomAD no frequency). This variant has not been reported in the literature in individuals affected with OTOF-related conditions. Algorithms developed to predict the effect of sequence changes on RNA splicing suggest that this variant may disrupt the consensus splice site. For these reasons, this variant has been classified as Pathogenic.

Literature cited by the submitters: PubMed 18381613; PubMed 19250381; PubMed 22575033.

NM_194248.3(OTOF):c.5188A>T (p.Lys1730Ter)

Genes: OTOF (otoferlin; minus strand), LOC112840921 (BRD4-independent group 4 enhancer GRCh37_chr2:26685720-26686919; plus strand). Cytogenetic location: 2p23.3.
Variant type: single nucleotide variant.
Coding change: c.5188A>T on transcript NM_194248.3 (MANE Select); coding-DNA position 5188, A replaced by T.
Protein change: p.Lys1730Ter; replaces lysine 1730 with a stop codon.
Molecular consequence: nonsense.
Genome position (GRCh38, 1-based): chr2:26,463,487, T>A on the plus strand (A>T on the coding strand, the complement: OTOF is on the minus strand). VCF-style: chr2-26463487-T-A. GRCh37 (hg19) VCF-style: chr2-26686355-T-A.
Other names: c.5188A>T, p.Lys1730Ter (NM_001287489.2); c.2887A>T, p.Lys963Ter (NM_004802.4, NM_194323.3); c.3118A>T, p.Lys1040Ter (NM_194322.3); short protein forms K1040*, K963*, K1730*.
Identifiers: ClinVar variation 2771754 (VCV002771754.3), dbSNP rs1664579873, ClinGen allele CA346132626.
Genomic context (GRCh38, chr2:26,463,487, plus strand): 5'-TGGGAAGTGGGTGGGGTGGGCCGGAAGGGAGTAGCGCTGGGCCCCAGGCCGCTCACTTCT[T>A]GGGCTTCCGAGGTGAGATGTCCAGAGGCGTCCCAGGGGCTGGCATGTCCATGGGGAACAT-3'